The following is an entry in ClinVar:

NM_007078.3(LDB3):c.385A>G (p.Ser129Gly)

Gene: LDB3 (LIM domain binding 3; plus strand). Cytogenetic location: 10q23.2.
Variant type: single nucleotide variant.
Coding change: c.385A>G on transcript NM_007078.3 (MANE Select); coding-DNA position 385, A replaced by G.
Protein change: p.Ser129Gly; replaces serine 129 with glycine.
Molecular consequence: missense variant. On other transcripts: intron variant (5).
Genome position (GRCh38, 1-based): chr10:86,681,499, A>G. VCF-style: chr10-86681499-A-G. GRCh37 (hg19) VCF-style: chr10-88441256-A-G.
Other names: p.S129G:AGC>GGC; c.321+1342A>G (NM_001368066.1, NM_001080114.2, NM_001368067.1 and 2 more transcripts); c.385A>G, p.Ser129Gly (NM_001080115.2, NM_001171610.2, NM_001171611.2 and 3 more transcripts); short protein forms S129G.
Identifiers: ClinVar variation 201836 (VCV000201836.4), dbSNP rs794729057, ClinGen allele CA308594.

ClinVar aggregate classification (germline): Conflicting classifications of pathogenicity. Review status: criteria provided, conflicting classifications (1 of 4 stars). 3 submissions from 3 submitters: Uncertain significance (1); Likely benign (2). Last evaluated 2026-01-13.

Conditions:
Cardiovascular phenotype. Identifiers: MedGen CN230736.
Myofibrillar myopathy 4. Also called: Zaspopathy (type). Identifiers: Orphanet 98912, MedGen C4721886, MONDO:0012277, OMIM 609452.

Allele frequency attached by ClinVar (database versions not stated): gnomAD exomes below 0.00001 and 0.00001; gnomAD 0.00001; TOPMed 0.00001.
gnomAD v4.1: 2 of 1,610,656 alleles (0.00012%); highest among the groups gnomAD compares: Non-Finnish European, 0.00017%; no homozygotes.

Submissions (3):

Labcorp Genetics (formerly Invitae), Labcorp
Classification: Uncertain significance for Myofibrillar myopathy 4. Last evaluated: 2026-01-13. Review status: criteria provided, single submitter. Criteria: Invitae Variant Classification Sherloc (09022015). Collection method: clinical testing. Allele origin: germline.
Comment: The LDB3 gene has multiple clinically relevant transcripts. This variant occurs in alternate transcript NM_007078.3, and corresponds to NM_001080116.1:c.321+1342A>G in the primary transcript. This sequence change replaces serine, which is neutral and polar, with glycine, which is neutral and non-polar, at codon 129 of the LDB3 protein (p.Ser129Gly). This variant is present in population databases (rs794729057, gnomAD 0.002%). This variant has not been reported in the literature in individuals affected with LDB3-related conditions. ClinVar contains an entry for this variant (Variation ID: 201836). Experimental studies and prediction algorithms are not available or were not evaluated, and the functional significance of this variant is currently unknown. Algorithms developed to predict the effect of sequence changes on RNA splicing suggest that this variant is not likely to affect RNA splicing. In summary, the available evidence is currently insufficient to determine the role of this variant in disease. Therefore, it has been classified as a Variant of Uncertain Significance.

Ambry Genetics
Classification: Likely benign for Cardiovascular phenotype. Last evaluated: 2021-10-13. Review status: criteria provided, single submitter. Criteria: Ambry Variant Classification Scheme 2023. Collection method: clinical testing. Allele origin: germline.

GeneDx
Classification: Likely benign. Last evaluated: 2013-07-09. Review status: criteria provided, single submitter. Criteria: GeneDx Variant Classification (06012015). Collection method: clinical testing. Allele origin: germline. Affected: yes.
Comment: This variant is considered likely benign or benign based on one or more of the following criteria: it is a conservative change, it occurs at a poorly conserved position in the protein, it is predicted to be benign by multiple in silico algorithms, and/or has population frequency not consistent with disease.